The following is an entry in ClinVar:

ClinVar aggregate classification (germline): Benign. Review status: criteria provided, multiple submitters, no conflicts (2 of 4 stars). 6 submissions from 4 submitters: Benign (6). Last evaluated 2024-07-31.

Conditions:
Dyskinesia with orofacial involvement, autosomal recessive. Identifiers: MedGen C5562036, MONDO:0030625, OMIM 619647.
Neurodevelopmental disorder with hyperkinetic movements and dyskinesia. Identifiers: MedGen C5562038, MONDO:0859211, OMIM 619651.
Dyskinesia with orofacial involvement, autosomal dominant (DSKOD). Also called: Familial dyskinesia and facial myokymia; Familial Dyskinesia with Facial Myokymia (FDFM); Dyskinesia, familial, with facial myokymia. Identifiers: Orphanet 324588, MedGen C1847627, MONDO:0800028, OMIM 606703.

Allele frequency attached by ClinVar (database versions not stated): gnomAD 0.70241 and 0.70880; TOPMed 0.70354; 1000 Genomes Project 30x 0.71768; 1000 Genomes Project 0.72065; gnomAD exomes 0.77955.
gnomAD v4.1: 1,235,367 of 1,599,526 alleles (77%); highest among the groups gnomAD compares: East Asian, 89%; 480,324 homozygotes.

Submissions (6):

Unidad de Genómica Garrahan, Hospital de Pediatría Garrahan
Classification: Benign. Last evaluated: 2024-07-31. Review status: criteria provided, single submitter. Criteria: ACMG Guidelines, 2015. Collection method: clinical testing. Allele origin: germline. Affected: no. Observed: 85 variant alleles.
Comment: This variant is classified as Benign based on local population frequency. This variant was detected in 91% of patients studied in a panel designed for Epileptic and Developmental Encephalopathy, Progressive Myoclonus Epilepsy and Abnormal Movements and Neurodegeneration with brain iron accumulation. Number of patients: 85. Only high quality variants are reported.

Genome-Nilou Lab
Classification: Benign for Dyskinesia with orofacial involvement, autosomal recessive. Last evaluated: 2021-12-05. Review status: criteria provided, single submitter. Criteria: ACMG Guidelines, 2015. Collection method: clinical testing. Allele origin: germline. Affected: no.

Genome-Nilou Lab
Classification: Benign for Neurodevelopmental disorder with hyperkinetic movements and dyskinesia. Last evaluated: 2021-12-05. Review status: criteria provided, single submitter. Criteria: ACMG Guidelines, 2015. Collection method: clinical testing. Allele origin: germline. Affected: no.

Genome-Nilou Lab
Classification: Benign for Dyskinesia with orofacial involvement, autosomal dominant. Last evaluated: 2021-07-14. Review status: criteria provided, single submitter. Criteria: ACMG Guidelines, 2015. Collection method: clinical testing. Allele origin: germline. Affected: no.

GeneDx
Classification: Benign. Last evaluated: 2018-07-05. Review status: criteria provided, single submitter. Criteria: GeneDx Variant Classification Process June 2021. Collection method: clinical testing. Allele origin: germline. Affected: yes.

Breakthrough Genomics
Classification: Benign. Review status: criteria provided, single submitter. Criteria: ACMG Guidelines, 2015. Collection method: not provided. Allele origin: germline. Inheritance: Autosomal recessive inheritance. Affected: yes.

NM_183357.3(ADCY5):c.3063+54G>A

Gene: ADCY5 (adenylate cyclase 5; minus strand). Cytogenetic location: 3q21.1.
Variant type: single nucleotide variant.
Coding change: c.3063+54G>A on transcript NM_183357.3 (MANE Select); 54 bases into the intron after coding-DNA position 3063, G replaced by A.
Molecular consequence: intron variant.
Genome position (GRCh38, 1-based): chr3:123,296,030, C>T on the plus strand (G>A on the coding strand, the complement: ADCY5 is on the minus strand). VCF-style: chr3-123296030-C-T. GRCh37 (hg19) VCF-style: chr3-123014877-C-T.
Other names: c.3138+54G>A (NM_001378259.1); c.2013+54G>A (NM_001199642.1).
Identifiers: ClinVar variation 1188957 (VCV001188957.8), dbSNP rs9881951, ClinGen allele CA11375391.